The following is an entry in ClinVar:

NM_022436.3(ABCG5):c.25C>A (p.Pro9Thr)

Gene: ABCG5 (ATP binding cassette subfamily G member 5; minus strand). Cytogenetic location: 2p21.
Variant type: single nucleotide variant.
Coding change: c.25C>A on transcript NM_022436.3 (MANE Select); coding-DNA position 25, C replaced by A.
Protein change: p.Pro9Thr; replaces proline 9 with threonine.
Molecular consequence: missense variant.
Genome position (GRCh38, 1-based): chr2:43,838,655, G>T on the plus strand (C>A on the coding strand, the complement: ABCG5 is on the minus strand). VCF-style: chr2-43838655-G-T. GRCh37 (hg19) VCF-style: chr2-44065794-G-T.
Other names: short protein forms P9T.
Identifiers: ClinVar variation 1793641 (VCV001793641.3), dbSNP rs1301882747, ClinGen allele CA346662153.

ClinVar aggregate classification (germline): Uncertain significance (1 of 4 stars; one submission).

Conditions:
Cardiovascular phenotype. Identifiers: MedGen CN230736.

Allele frequency attached by ClinVar (database versions not stated): gnomAD exomes 0.00001; TOPMed 0.00001; gnomAD 0.00001.
gnomAD v4.1: 5 of 1,613,550 alleles (0.00031%); highest among the groups gnomAD compares: Admixed American, 0.0033%; no homozygotes.

Submission:

Ambry Genetics
Classification: Uncertain significance for Cardiovascular phenotype. Last evaluated: 2025-10-27. Review status: criteria provided, single submitter. Criteria: Ambry Variant Classification Scheme 2023. Collection method: clinical testing. Allele origin: germline.
Comment: The p.P9T variant (also known as c.25C>A), located in coding exon 1 of the ABCG5 gene, results from a C to A substitution at nucleotide position 25. The proline at codon 9 is replaced by threonine, an amino acid with highly similar properties. This amino acid position is conserved. In addition, this alteration is predicted to be tolerated by in silico analysis. Since supporting evidence is limited at this time, the clinical significance of this alteration remains unclear.